The following is an entry in ClinVar:

ClinVar aggregate classification (germline): Uncertain significance. Review status: criteria provided, multiple submitters, no conflicts (2 of 4 stars). 2 submissions from 2 submitters: Uncertain significance (2). Last evaluated 2022-03-15.

Conditions:
Short-rib thoracic dysplasia 10 with or without polydactyly (SRTD10). Identifiers: Orphanet 474, MedGen C3810175, MONDO:0014284, OMIM 615630.
Retinitis pigmentosa 71 (RP71). Identifiers: Orphanet 791, MedGen C4225342, MONDO:0014618, OMIM 616394.
Bardet-Biedl syndrome 20. Identifiers: MedGen C4310707, MONDO:0023670, OMIM 619471, MONDO:0014926.

Submissions (2):

Fulgent Genetics
Classification: Uncertain significance for Short-rib thoracic dysplasia 10 with or without polydactyly; Retinitis pigmentosa 71; Bardet-Biedl syndrome 20. Last evaluated: 2022-03-15. Review status: criteria provided, single submitter. Criteria: ACMG Guidelines, 2015. Collection method: clinical testing. Allele origin: unknown.

Labcorp Genetics (formerly Invitae), Labcorp
Classification: Uncertain significance for Retinitis pigmentosa 71; Short-rib thoracic dysplasia 10 with or without polydactyly. Last evaluated: 2021-06-17. Review status: criteria provided, single submitter. Criteria: Invitae Variant Classification Sherloc (09022015). Collection method: clinical testing. Allele origin: germline.
Comment: In summary, the available evidence is currently insufficient to determine the role of this variant in disease. Therefore, it has been classified as a Variant of Uncertain Significance. Experimental studies and prediction algorithms are not available or were not evaluated, and the functional significance of this variant is currently unknown. This variant has not been reported in the literature in individuals with IFT172-related conditions. This variant is not present in population databases (ExAC no frequency). This variant, c.4932_4940del, results in the deletion of 3 amino acid(s) of the IFT172 protein (p.Glu1644_Arg1646del), but otherwise preserves the integrity of the reading frame.

NM_015662.3(IFT172):c.4932_4940del (p.Glu1644_Arg1646del)

Genes: IFT172 (intraflagellar transport 172; minus strand), KRTCAP3 (keratinocyte associated protein 3; plus strand). Cytogenetic location: 2p23.3.
Variant type: Deletion.
Coding change: c.4932_4940del on transcript NM_015662.3 (MANE Select); coding-DNA positions 4932 to 4940, 9 bases deleted (GGTTCGAGA; older notation c.4932_4940delGGTTCGAGA).
Protein change: p.Glu1644_Arg1646del.
Molecular consequence: inframe deletion. On other transcripts: intron variant (1).
Genome position (GRCh38, 1-based): chr2:27,445,424-27,445,432, TCTCGAACC deleted on the plus strand (GGTTCGAGA on the coding strand, the reverse complement: IFT172 is on the minus strand); deleting any 9 consecutive bases within chr2:27,445,424-27,445,435 gives the same sequence; the c. name uses the placement nearest the transcript's 3' end. VCF-style (leftmost placement, unchanged base first): chr2-27445423-GTCTCGAACC-G. GRCh37 (hg19) VCF-style: chr2-27668290-GTCTCGAACC-G.
Other names: c.4866_4874del, p.Glu1622_Arg1624del (NM_001410739.1); c.*6-874_*6-866del (NM_001168364.2).
Identifiers: ClinVar variation 1360420 (VCV001360420.11), dbSNP rs1664979213, ClinGen allele CA1240276263.